The following is an entry in ClinVar:

ClinVar aggregate classification (germline): Uncertain significance (1 of 4 stars; one submission).

Conditions:
Inborn genetic diseases. Identifiers: MedGen C0950123, MeSH D030342.

Submission:

Ambry Genetics
Classification: Uncertain significance for Inborn genetic diseases. Last evaluated: 2025-08-14. Review status: criteria provided, single submitter. Criteria: Ambry Variant Classification Scheme 2023. Collection method: clinical testing. Allele origin: germline.
Comment: The c.1135C>T (p.L379F) alteration is located in exon 9 (coding exon 9) of the ATP1A2 gene. This alteration results from a C to T substitution at nucleotide position 1135, causing the leucine (L) at amino acid position 379 to be replaced by a phenylalanine (F). This amino acid position is highly conserved in available vertebrate species. This missense alteration is located in a region that has a low rate of benign missense variation (Lek, 2016; Firth, 2009). This alteration is predicted to be deleterious by in silico analysis. Based on insufficient or conflicting evidence, the clinical significance of this alteration remains unclear.

NM_000702.4(ATP1A2):c.1135C>T (p.Leu379Phe)

Gene: ATP1A2 (ATPase Na+/K+ transporting subunit alpha 2; plus strand). Cytogenetic location: 1q23.2.
Variant type: single nucleotide variant.
Coding change: c.1135C>T on transcript NM_000702.4 (MANE Select); coding-DNA position 1135, C replaced by T.
Protein change: p.Leu379Phe; replaces leucine 379 with phenylalanine.
Molecular consequence: missense variant.
Genome position (GRCh38, 1-based): chr1:160,128,769, C>T. VCF-style: chr1-160128769-C-T. GRCh37 (hg19) VCF-style: chr1-160098559-C-T.
Other names: short protein forms L379F.
Identifiers: ClinVar variation 3970700 (VCV003970700.2).
Genomic context (GRCh38, chr1:160,128,769, plus strand): 5'-CTGGAGGCGGTGGAGACGCTGGGCTCCACGTCCACCATCTGCTCGGACAAGACGGGCACC[C>T]TCACCCAGAACCGCATGACCGTCGCCCACATGTGGTTCGACAACCAAATCCATGAGGCTG-3'
Protein context (NP_000693.1, residues 369-389): STICSDKTGT[Leu379Phe]TQNRMTVAHM